The following is an entry in ClinVar:

NM_144687.4(NLRP12):c.1345dup (p.Ala449fs)

Gene: NLRP12 (NLR family pyrin domain containing 12; minus strand). Cytogenetic location: 19q13.42.
Variant type: Duplication.
Coding change: c.1345dup on transcript NM_144687.4 (MANE Select); coding-DNA position 1345, one base duplicated (G; older notation c.1345dupG).
Protein change: p.Ala449fs; shifts the reading frame from alanine 449.
Molecular consequence: frameshift variant.
Genome position (GRCh38, 1-based): chr19:53,810,314, C duplicated on the plus strand (G on the coding strand, the reverse complement: NLRP12 is on the minus strand); the first of 5 consecutive C bases (chr19:53,810,314-53,810,318); duplicating any one gives the same sequence. VCF-style (leftmost placement, unchanged base first): chr19-53810313-G-GC. GRCh37 (hg19) VCF-style: chr19-54313567-G-GC.
Other names: c.1345dup, p.Ala449fs (NM_001277126.2, NM_001277129.1); short protein forms A449fs.
Identifiers: ClinVar variation 1969660 (VCV001969660.5), dbSNP rs1482176412, ClinGen allele CA508854047.
Genomic context (GRCh38, chr19:53,810,313, plus strand): 5'-AGCCCATCTGCCGCCAAGGAGCACAACCCTCTCTGGTTGGGTGGGGGCTGGAGGCGCGGG[G>GC]CCCCCGGCTTGGGTTGCATCAGACTCAGCAGGTAGAGCATGTACACTGCAGTGGTGGTCC-3'

ClinVar aggregate classification (germline): Uncertain significance (1 of 4 stars; one submission).

Conditions:
Familial cold autoinflammatory syndrome 2 (FCAS2). Identifiers: Orphanet 247868, MedGen C2673198, MONDO:0012724, OMIM 611762.

Submission:

Labcorp Genetics (formerly Invitae), Labcorp
Classification: Uncertain significance for Familial cold autoinflammatory syndrome 2. Last evaluated: 2024-02-24. Review status: criteria provided, single submitter. Criteria: Invitae Variant Classification Sherloc (09022015). Collection method: clinical testing. Allele origin: germline.
Comment: This sequence change creates a premature translational stop signal (p.Ala449Glyfs*29) in the NLRP12 gene. It is expected to result in an absent or disrupted protein product. However, the current clinical and genetic evidence is not sufficient to establish whether loss-of-function variants in NLRP12 cause disease. This variant is present in population databases (no rsID available, gnomAD 0.0009%). This variant has not been reported in the literature in individuals affected with NLRP12-related conditions. ClinVar contains an entry for this variant (Variation ID: 1969660). In summary, the available evidence is currently insufficient to determine the role of this variant in disease. Therefore, it has been classified as a Variant of Uncertain Significance.